The following is an entry in ClinVar:

ClinVar aggregate classification (germline): Uncertain significance (1 of 4 stars; one submission).

Conditions:
Facioscapulohumeral muscular dystrophy 2 (FSHD2). Also called: MUSCULAR DYSTROPHY, FACIOSCAPULOHUMERAL, TYPE 1B; FACIOSCAPULOHUMERAL MUSCULAR DYSTROPHY 2, DIGENIC; FSHD2, DIGENIC. Identifiers: Orphanet 269, MedGen C1834671, MONDO:0008031, OMIM 158901.

Submission:

Labcorp Genetics (formerly Invitae), Labcorp
Classification: Uncertain significance for Facioscapulohumeral muscular dystrophy 2. Last evaluated: 2022-02-10. Review status: criteria provided, single submitter. Criteria: Invitae Variant Classification Sherloc (09022015). Collection method: clinical testing. Allele origin: germline.
Comment: This variant has not been reported in the literature in individuals affected with SMCHD1-related conditions. This sequence change replaces asparagine, which is neutral and polar, with isoleucine, which is neutral and non-polar, at codon 1545 of the SMCHD1 protein (p.Asn1545Ile). This variant is not present in population databases (gnomAD no frequency). ClinVar contains an entry for this variant (Variation ID: 951313). Algorithms developed to predict the effect of missense changes on protein structure and function (SIFT, PolyPhen-2, Align-GVGD) all suggest that this variant is likely to be tolerated. In summary, the available evidence is currently insufficient to determine the role of this variant in disease. Therefore, it has been classified as a Variant of Uncertain Significance.

NM_015295.3(SMCHD1):c.4634A>T (p.Asn1545Ile)

Gene: SMCHD1 (structural maintenance of chromosomes flexible hinge domain containing 1; plus strand). Cytogenetic location: 18p11.32.
Variant type: single nucleotide variant.
Coding change: c.4634A>T on transcript NM_015295.3 (MANE Select); coding-DNA position 4634, A replaced by T.
Protein change: p.Asn1545Ile; replaces asparagine 1545 with isoleucine.
Molecular consequence: missense variant.
Genome position (GRCh38, 1-based): chr18:2,763,704, A>T. VCF-style: chr18-2763704-A-T. GRCh37 (hg19) VCF-style: chr18-2763702-A-T.
Other names: short protein forms N1545I.
Identifiers: ClinVar variation 951313 (VCV000951313.9), dbSNP rs776704924, ClinGen allele CA401696956.
Genomic context (GRCh38, chr18:2,763,704, plus strand): 5'-ACGACAACCATACTGGAATTGATTTGGTTGGCACTATAATAGCCACCATTAAAGGCTCTA[A>T]TGAGGAAGATACTGATACCCCACTTTTTATTGGGAAAGTTAGAACACTTGAATTCCCCTT-3'
Protein context (NP_056110.2, residues 1535-1555): GTIIATIKGS[Asn1545Ile]EEDTDTPLFI